The following is an entry in ClinVar:

NM_020822.3(KCNT1):c.1054C>G (p.Leu352Val)

Gene: KCNT1 (potassium sodium-activated channel subfamily T member 1; plus strand). Cytogenetic location: 9q34.3.
Variant type: single nucleotide variant.
Coding change: c.1054C>G on transcript NM_020822.3 (MANE Select); coding-DNA position 1054, C replaced by G.
Protein change: p.Leu352Val; replaces leucine 352 with valine.
Molecular consequence: missense variant.
Genome position (GRCh38, 1-based): chr9:135,765,049, C>G. VCF-style: chr9-135765049-C-G. GRCh37 (hg19) VCF-style: chr9-138656895-C-G.
Other names: c.919C>G, p.Leu307Val (NM_001272003.2); short protein forms L352V, L307V.
Identifiers: ClinVar variation 2923552 (VCV002923552.3), dbSNP rs1832161668, ClinGen allele CA375499859.

ClinVar aggregate classification (germline): Uncertain significance (1 of 4 stars; one submission).

Conditions:
Autosomal dominant nocturnal frontal lobe epilepsy 5. Also called: KCNT1-Related Epilepsy; CILIARY DYSKINESIA, PRIMARY, 28, WITH SITUS INVERSUS; CILIARY DYSKINESIA, PRIMARY, 28, WITHOUT SITUS INVERSUS; Epilepsy, nocturnal frontal lobe, 5. Identifiers: Orphanet 98784, MedGen C3554306, MONDO:0014002, OMIM 615005.
Developmental and epileptic encephalopathy, 14 (DEE14). Also called: Early infantile epileptic encephalopathy 14. Identifiers: Orphanet 293181, MedGen C3554195, MONDO:0013989, OMIM 614959.

Allele frequency attached by ClinVar (database versions not stated): gnomAD exomes 0.00001.
gnomAD v4.1: 3 of 1,612,344 alleles (0.00019%); highest among the groups gnomAD compares: Non-Finnish European, 0.00025%; no homozygotes.

Submission:

Labcorp Genetics (formerly Invitae), Labcorp
Classification: Uncertain significance for Autosomal dominant nocturnal frontal lobe epilepsy 5; Developmental and epileptic encephalopathy, 14. Last evaluated: 2023-10-16. Review status: criteria provided, single submitter. Criteria: Invitae Variant Classification Sherloc (09022015). Collection method: clinical testing. Allele origin: germline.
Comment: This sequence change replaces leucine, which is neutral and non-polar, with valine, which is neutral and non-polar, at codon 352 of the KCNT1 protein (p.Leu352Val). This variant is not present in population databases (gnomAD no frequency). This variant has not been reported in the literature in individuals affected with KCNT1-related conditions. Advanced modeling of protein sequence and biophysical properties (such as structural, functional, and spatial information, amino acid conservation, physicochemical variation, residue mobility, and thermodynamic stability) performed at Invitae indicates that this missense variant is not expected to disrupt KCNT1 protein function. In summary, the available evidence is currently insufficient to determine the role of this variant in disease. Therefore, it has been classified as a Variant of Uncertain Significance.